The following is an entry in ClinVar:

NM_015120.4(ALMS1):c.106_108dup (p.Ala36_Asn37insAla)

Gene: ALMS1 (ALMS1 centrosome and basal body associated protein; plus strand). Cytogenetic location: 2p13.1.
Variant type: Microsatellite.
Coding change: c.106_108dup on transcript NM_015120.4; coding-DNA positions 106 to 108, 3 bases duplicated (GCG; older notation c.106_108dupGCG).
Protein change: p.Ala36_Asn37insAla.
Molecular consequence: inframe insertion.
Genome position (GRCh38, 1-based): chr2:73,385,971-73,385,973, GCG duplicated; duplicating any 3 consecutive bases within chr2:73,385,959-73,385,973 gives the same sequence; the c. name uses the placement nearest the transcript's 3' end. VCF-style (leftmost placement, unchanged base first): chr2-73385958-A-AGCG. GRCh37 (hg19) VCF-style: chr2-73613086-A-AGCG.
Other names: p.Ala36dup; c.91GCG[6], p.Ala35dup (NM_001378454.1); c.94GCG[6], p.Ala36dup (NM_015120.4); c.106_108dupGCG (NM_015120.4).
Identifiers: ClinVar variation 337007 (VCV000337007.23), dbSNP rs746896173, ClinGen allele CA1712735.

ClinVar aggregate classification (germline): Conflicting classifications of pathogenicity. Review status: criteria provided, conflicting classifications (1 of 4 stars). 8 submissions from 8 submitters: Uncertain significance (5); Likely benign (1). 2 of the submissions do not count toward it. Last evaluated 2025-11-25.

Conditions:
ALMS1-related disorder. Also called: ALMS1-related condition.
Alstrom syndrome (ALMS). Identifiers: Orphanet 64, MedGen C0268425, MONDO:0008763, OMIM 203800.
Cardiovascular phenotype. Identifiers: MedGen CN230736.

Submissions (8):

Ambry Genetics
Classification: Uncertain significance for Cardiovascular phenotype. Last evaluated: 2025-11-25. Review status: criteria provided, single submitter. Criteria: Ambry Variant Classification Scheme 2023. Collection method: clinical testing. Allele origin: germline.
Comment: The c.106_108dupGCG variant (also known as p.A36dup), located in coding exon 1 of the ALMS1 gene, results from an in-frame duplication of GCG at nucleotide positions 106 to 108. This results in the duplication of an extra alanine residue between codons 36 and 37. This amino acid position is not well conserved in available vertebrate species. In addition, this alteration is predicted to be neutral by in silico analysis (Choi Y et al. PLoS ONE. 2012; 7(10):e46688). Since supporting evidence is limited at this time, the clinical significance of this alteration remains unclear.

Women's Health and Genetics/Laboratory Corporation of America, LabCorp
Classification: Uncertain significance. Last evaluated: 2025-11-12. Review status: criteria provided, single submitter. Criteria: LabCorp Variant Classification Summary - May 2015. Collection method: clinical testing. Allele origin: germline.
Comment: Variant summary: ALMS1 c.103_105dupGCG (p.Ala35dup) results in an in-frame duplication that is predicted to duplicate 1 amino acid into the encoded protein. The variant allele was found at a frequency of 0.00014 in 139126 control chromosomes. This frequency is not significantly higher than estimated for disease-causing variants in ALMS1, allowing no conclusion about variant significance. To our knowledge, no occurrence of c.103_105dupGCG in individuals affected with ALMS1-related conditions and no experimental evidence demonstrating its impact on protein function have been reported. ClinVar contains an entry for this variant (Variation ID: 337007). Based on the evidence outlined above, the variant was classified as uncertain significance.

Labcorp Genetics (formerly Invitae), Labcorp
Classification: Uncertain significance for Alstrom syndrome. Last evaluated: 2025-02-02. Review status: criteria provided, single submitter. Criteria: Invitae Variant Classification Sherloc (09022015). Collection method: clinical testing. Allele origin: germline.
Comment: This variant, c.106_108dup, results in the insertion of 1 amino acid(s) of the ALMS1 protein (p.Ala36dup), but otherwise preserves the integrity of the reading frame. This variant is present in population databases (rs746896173, gnomAD 0.04%). This variant has not been reported in the literature in individuals affected with ALMS1-related conditions. ClinVar contains an entry for this variant (Variation ID: 337007). Experimental studies and prediction algorithms are not available or were not evaluated, and the functional significance of this variant is currently unknown. In summary, the available evidence is currently insufficient to determine the role of this variant in disease. Therefore, it has been classified as a Variant of Uncertain Significance.

Blueprint Genetics
Classification: Uncertain significance. Last evaluated: 2022-08-26. Review status: criteria provided, single submitter. Criteria: ACMG Guidelines, 2015. Collection method: clinical testing. Allele origin: germline.

Clinical Genomics Laboratory, Stanford Medicine
Classification: Uncertain significance for Alstrom syndrome. Last evaluated: 2021-07-28. Review status: criteria provided, single submitter. Criteria: ACMG Guidelines, 2015. Collection method: clinical testing. Allele origin: germline. Affected: yes. Observed: 1 heterozygote.
Comment: The p.Ala36dup variant in the ALMS1gene has not been previously reported in association with disease. This p.Ala36dup varianthas been identified in 11/23,978 Latino/Admixed American chromosomes (22/170,160 chromosomes overall) by the Genome Aggregation Database.The p.Ala36dup variant occurs in a repetitive region and the ability to detect this type of variation is limited. Although this variant has been seen in the general population, its frequency is low enough to be consistent with a recessive carrier frequency. The p.Ala36dupvariant results in an in-frame insertion of oneamino acid, and as a result, this variant is not expected to disrupt the protein reading frame. These data were assessed using the ACMG/AMP variant interpretation guidelines. In summary, the significance of thep.Ala36dupvariant is uncertain. Additional information is needed to resolve the significance of this variant.[ACMG evidence codes used: BP3]

GeneDx
Classification: Likely benign. Last evaluated: 2020-04-07. Review status: criteria provided, single submitter. Criteria: GeneDx Variant Classification Process June 2021. Collection method: clinical testing. Allele origin: germline. Affected: yes.

PreventionGenetics, part of Exact Sciences
Classification: Uncertain significance for ALMS1-related condition. Last evaluated: 2024-06-10. Review status: no assertion criteria provided. Collection method: clinical testing. Allele origin: germline. Not counted in ClinVar's aggregate classification.
Comment: The ALMS1 c.103_105dupGCG variant is predicted to result in an in-frame duplication (p.Ala35dup). To our knowledge, this variant has not been reported in the literature. This variant is reported in 0.046% of alleles in individuals of Latino descent in gnomAD. At this time, the clinical significance of this variant is uncertain due to the absence of conclusive functional and genetic evidence.

Counsyl
Classification: Uncertain significance for Alstrom syndrome. Last evaluated: 2017-03-14. Review status: no assertion criteria provided. Collection method: clinical testing. Allele origin: unknown. Not counted in ClinVar's aggregate classification.